The following is an entry in ClinVar:

NM_000204.5(CFI):c.1492T>C (p.Phe498Leu)

Gene: CFI (complement factor I; minus strand). Cytogenetic location: 4q25.
Variant type: single nucleotide variant.
Coding change: c.1492T>C on transcript NM_000204.5 (MANE Select); coding-DNA position 1492, T replaced by C.
Protein change: p.Phe498Leu; replaces phenylalanine 498 with leucine.
Molecular consequence: missense variant. On other transcripts: non-coding transcript variant (3).
Genome position (GRCh38, 1-based): chr4:109,742,533, A>G on the plus strand (T>C on the coding strand, the complement: CFI is on the minus strand). VCF-style: chr4-109742533-A-G. GRCh37 (hg19) VCF-style: chr4-110663689-A-G.
Other names: c.1516T>C, p.Phe506Leu (NM_001318057.2, NM_001375278.1); c.1471T>C, p.Phe491Leu (NM_001331035.2, NM_001375280.1, NM_001375282.1); c.1492T>C, p.Phe498Leu (NM_001375279.1, NM_001375281.1); c.1435T>C, p.Phe479Leu (NM_001375283.1); c.883T>C, p.Phe295Leu (NM_001375284.1); short protein forms F295L, F479L, F491L, F498L, F506L.
Identifiers: ClinVar variation 2160678 (VCV002160678.4), dbSNP rs137886324, ClinGen allele CA3041883.
Genomic context (GRCh38, chr4:109,742,533, plus strand): 5'-AAACCACTTGGCACTTACCTGCACATTCCATTTCTTTTTCATAGAAACGATTTCCGTAAA[A>G]CTTAGAGCAGTTGCTTATTAGTTTAACTTCACCCCACTGAAGTGAAAAGACTCTTTCGTT-3'
Protein context (NP_000195.3, residues 488-508): EVKLISNCSK[Phe498Leu]YGNRFYEKEM

ClinVar aggregate classification (germline): Uncertain significance (1 of 4 stars; one submission).

Allele frequency attached by ClinVar (database versions not stated): ExAC 0.00001; gnomAD exomes 0.00002; ESP Exome Variant Server 0.00008.
gnomAD v4.1: 9 of 1,613,810 alleles (0.00056%); highest among the groups gnomAD compares: Non-Finnish European, 0.00076%; no homozygotes.

Submission:

Labcorp Genetics (formerly Invitae), Labcorp
Classification: Uncertain significance. Last evaluated: 2022-03-03. Review status: criteria provided, single submitter. Criteria: Invitae Variant Classification Sherloc (09022015). Collection method: clinical testing. Allele origin: germline.
Comment: In summary, the available evidence is currently insufficient to determine the role of this variant in disease. Therefore, it has been classified as a Variant of Uncertain Significance. Advanced modeling of protein sequence and biophysical properties (such as structural, functional, and spatial information, amino acid conservation, physicochemical variation, residue mobility, and thermodynamic stability) performed at Invitae indicates that this missense variant is not expected to disrupt CFI protein function. This variant has not been reported in the literature in individuals affected with CFI-related conditions. This variant is present in population databases (rs137886324, gnomAD 0.0009%). This sequence change replaces phenylalanine, which is neutral and non-polar, with leucine, which is neutral and non-polar, at codon 498 of the CFI protein (p.Phe498Leu).